The following is an entry in ClinVar:

NM_001348768.2(HECW2):c.2913C>T (p.Arg971=)

Gene: HECW2 (HECT, C2 and WW domain containing E3 ubiquitin protein ligase 2; minus strand). Cytogenetic location: 2q32.3.
Variant type: single nucleotide variant.
Coding change: c.2913C>T on transcript NM_001348768.2 (MANE Select); coding-DNA position 2913, C replaced by T.
Protein change: p.Arg971=; no amino-acid change (arginine 971 retained).
Molecular consequence: synonymous variant.
Genome position (GRCh38, 1-based): chr2:196,292,652, G>A on the plus strand (C>T on the coding strand, the complement: HECW2 is on the minus strand). VCF-style: chr2-196292652-G-A. GRCh37 (hg19) VCF-style: chr2-197157376-G-A.
Other names: c.1845C>T, p.Arg615= (NM_001304840.3); c.2913C>T, p.Arg971= (NM_020760.4).
Identifiers: ClinVar variation 765625 (VCV000765625.17), dbSNP rs763730628, ClinGen allele CA2037925.

ClinVar aggregate classification (germline): Likely benign. Review status: criteria provided, multiple submitters, no conflicts (2 of 4 stars). 2 submissions from 2 submitters: Likely benign (2). Last evaluated 2026-08-01.

Allele frequency attached by ClinVar (database versions not stated): gnomAD exomes below 0.00001 and 0.00001; ExAC 0.00001; gnomAD 0.00001; TOPMed 0.00001.
gnomAD v4.1: 12 of 1,614,032 alleles (0.00074%); highest among the groups gnomAD compares: African/African-American, 0.0027%; no homozygotes.

Submissions (2):

CeGaT Center for Human Genetics Tuebingen
Classification: Likely benign. Last evaluated: 2026-08-01. Review status: criteria provided, single submitter. Criteria: CeGaT Center For Human Genetics Tuebingen Variant Classification Criteria Version 2. Collection method: clinical testing. Allele origin: germline. Affected: yes. Observed: 2 variant alleles.
Comment: HECW2: BP4, BP7

Labcorp Genetics (formerly Invitae), Labcorp
Classification: Likely benign. Last evaluated: 2018-08-21. Review status: criteria provided, single submitter. Criteria: Invitae Variant Classification Sherloc (09022015). Collection method: clinical testing. Allele origin: germline.